The following is an entry in ClinVar:

NM_017841.4(SDHAF2):c.350A>T (p.Asp117Val)

Gene: SDHAF2 (succinate dehydrogenase complex assembly factor 2; plus strand). Cytogenetic location: 11q12.2.
Variant type: single nucleotide variant.
Coding change: c.350A>T on transcript NM_017841.4 (MANE Select); coding-DNA position 350, A replaced by T.
Protein change: p.Asp117Val; replaces aspartic acid 117 with valine.
Molecular consequence: missense variant.
Genome position (GRCh38, 1-based): chr11:61,438,093, A>T. VCF-style: chr11-61438093-A-T. GRCh37 (hg19) VCF-style: chr11-61205565-A-T.
Other names: short protein forms D117V.
Identifiers: ClinVar variation 639448 (VCV000639448.11), dbSNP rs151040226, ClinGen allele CA058539.

ClinVar aggregate classification (germline): Uncertain significance. Review status: criteria provided, multiple submitters, no conflicts (2 of 4 stars). 2 submissions from 2 submitters: Uncertain significance (2). Last evaluated 2025-12-20.

Conditions:
Hereditary cancer-predisposing syndrome. Also called: Neoplastic Syndromes, Hereditary; Hereditary Cancer Syndrome; Tumor predisposition; Hereditary neoplastic syndrome. Identifiers: Orphanet 140162, MedGen C0027672, MeSH D009386, MONDO:0015356.
Hereditary pheochromocytoma and paraganglioma. Also called: Hereditary Paraganglioma-Pheochromocytoma Syndromes; Hereditary paragangliomas and pheochromocytomas; Hereditary pheochromocytoma-paraganglioma. Identifiers: Orphanet 29072, MedGen C4274332, MONDO:0017366.

gnomAD v4.1: 4 of 1,613,224 alleles (0.00025%); highest among the groups gnomAD compares: South Asian, 0.0011%; no homozygotes.

Submissions (2):

Ambry Genetics
Classification: Uncertain significance for Hereditary cancer-predisposing syndrome. Last evaluated: 2025-12-20. Review status: criteria provided, single submitter. Criteria: Ambry Variant Classification Scheme 2023. Collection method: clinical testing. Allele origin: germline.
Comment: The p.D117V variant (also known as c.350A>T), located in coding exon 3 of the SDHAF2 gene, results from an A to T substitution at nucleotide position 350. The aspartic acid at codon 117 is replaced by valine, an amino acid with highly dissimilar properties. This amino acid position is conserved. In addition, this alteration is predicted to be deleterious by in silico analysis. Based on the available evidence, the clinical significance of this variant remains unclear.

Labcorp Genetics (formerly Invitae), Labcorp
Classification: Uncertain significance for Hereditary pheochromocytoma and paraganglioma. Last evaluated: 2024-10-28. Review status: criteria provided, single submitter. Criteria: Invitae Variant Classification Sherloc (09022015). Collection method: clinical testing. Allele origin: germline.
Comment: This sequence change replaces aspartic acid, which is acidic and polar, with valine, which is neutral and non-polar, at codon 117 of the SDHAF2 protein (p.Asp117Val). This variant is present in population databases (rs151040226, gnomAD 0.003%). This variant has not been reported in the literature in individuals affected with SDHAF2-related conditions. ClinVar contains an entry for this variant (Variation ID: 639448). An algorithm developed to predict the effect of missense changes on protein structure and function (PolyPhen-2) suggests that this variant is likely to be disruptive. In summary, the available evidence is currently insufficient to determine the role of this variant in disease. Therefore, it has been classified as a Variant of Uncertain Significance.